The following is an entry in ClinVar:

ClinVar aggregate classification (germline): Uncertain significance (1 of 4 stars; one submission).

Conditions:
Ulnar-mammary syndrome (UMS). Also called: Ulnar-mammary syndrome of Pallister; SCHINZEL SYNDROME; PALLISTER ULNAR-MAMMARY SYNDROME. Identifiers: Orphanet 3138, MedGen C1866994, MONDO:0008411, OMIM 181450.

Allele frequency attached by ClinVar (database versions not stated): gnomAD exomes below 0.00001.
gnomAD v4.1: 2 of 1,597,060 alleles (0.00013%); highest among the groups gnomAD compares: Non-Finnish European, 0.00017%; no homozygotes.

Submission:

Labcorp Genetics (formerly Invitae), Labcorp
Classification: Uncertain significance for Ulnar-mammary syndrome. Last evaluated: 2022-08-10. Review status: criteria provided, single submitter. Criteria: Invitae Variant Classification Sherloc (09022015). Collection method: clinical testing. Allele origin: germline.
Comment: In summary, the available evidence is currently insufficient to determine the role of this variant in disease. Therefore, it has been classified as a Variant of Uncertain Significance. Algorithms developed to predict the effect of missense changes on protein structure and function (SIFT, PolyPhen-2, Align-GVGD) all suggest that this variant is likely to be tolerated. This variant has not been reported in the literature in individuals affected with TBX3-related conditions. This variant is not present in population databases (gnomAD no frequency). This sequence change replaces serine, which is neutral and polar, with leucine, which is neutral and non-polar, at codon 668 of the TBX3 protein (p.Ser668Leu).

NM_005996.4(TBX3):c.2003C>T (p.Ser668Leu)

Gene: TBX3 (T-box transcription factor 3; minus strand). Cytogenetic location: 12q24.21.
Variant type: single nucleotide variant.
Coding change: c.2003C>T on transcript NM_005996.4 (MANE Select); coding-DNA position 2003, C replaced by T.
Protein change: p.Ser668Leu; replaces serine 668 with leucine.
Molecular consequence: missense variant.
Genome position (GRCh38, 1-based): chr12:114,672,010, G>A on the plus strand (C>T on the coding strand, the complement: TBX3 is on the minus strand). VCF-style: chr12-114672010-G-A. GRCh37 (hg19) VCF-style: chr12-115109815-G-A.
Other names: c.2063C>T, p.Ser688Leu (NM_016569.4); short protein forms S668L, S688L.
Identifiers: ClinVar variation 2123213 (VCV002123213.4), dbSNP rs1868456528, ClinGen allele CA386867754.
Genomic context (GRCh38, chr12:114,672,010, plus strand): 5'-GGCGACAAGGACATGGAGCTGGAGGAGAGCGTGGAGGAGCGGCTGTTGAGTTCAGAGCCC[G>A]AGTCCACTGCCACCGAGGCCGGGCTGGCGGCCAGGGCGGCGACTTTGCCGTCCAGGGGCC-3'
Protein context (NP_005987.3, residues 658-678): AASPASVAVD[Ser668Leu]GSELNSRSST